The following is an entry in ClinVar:

ClinVar aggregate classification (germline): Uncertain significance. Review status: criteria provided, multiple submitters, no conflicts (2 of 4 stars). 2 submissions from 2 submitters: Uncertain significance (2). Last evaluated 2026-09-15.

Conditions:
Microcephalic osteodysplastic primordial dwarfism type II (MOPD2). Also called: OSTEODYSPLASTIC PRIMORDIAL DWARFISM, TYPE II; Microcephalic osteodysplastic primordial dwarfism with tooth abnormalities; MOPD II. Identifiers: Orphanet 2637, MedGen C0432246, MONDO:0008872, OMIM 210720.
PCNT-related disorder. Also called: PCNT-related condition.

Allele frequency attached by ClinVar (database versions not stated): gnomAD 0.00001.
gnomAD v4.1: 2 of 1,603,148 alleles (0.00012%); highest among the groups gnomAD compares: African/African-American, 0.0013%; no homozygotes.

Submissions (2):

PreventionGenetics, part of Exact Sciences
Classification: Uncertain significance for PCNT-related condition. Last evaluated: 2026-09-15. Review status: criteria provided, single submitter. Criteria: ACMG Guidelines, 2015. Collection method: clinical testing. Allele origin: germline.
Comment: The PCNT c.788A>G variant is predicted to result in the amino acid substitution p.Glu263Gly. To our knowledge, this variant has not been reported in the literature. This variant is reported in 0.011% of alleles in individuals of African descent in gnomAD. At this time, the clinical significance of this variant is uncertain due to the absence of conclusive functional and genetic evidence.

Illumina Laboratory Services, Illumina
Classification: Uncertain significance for Microcephalic osteodysplastic primordial dwarfism type II. Last evaluated: 2018-01-13. Review status: criteria provided, single submitter. Criteria: ICSL Variant Classification Criteria 13 December 2019. Collection method: clinical testing. Allele origin: germline.

NM_006031.6(PCNT):c.788A>G (p.Glu263Gly)

Gene: PCNT (pericentrin; plus strand). Cytogenetic location: 21q22.3.
Variant type: single nucleotide variant.
Coding change: c.788A>G on transcript NM_006031.6 (MANE Select); coding-DNA position 788, A replaced by G.
Protein change: p.Glu263Gly; replaces glutamic acid 263 with glycine.
Molecular consequence: missense variant.
Genome position (GRCh38, 1-based): chr21:46,346,810, A>G. VCF-style: chr21-46346810-A-G. GRCh37 (hg19) VCF-style: chr21-47766724-A-G.
Other names: c.434A>G, p.Glu145Gly (NM_001315529.2); short protein forms E263G, E145G.
Identifiers: ClinVar variation 340464 (VCV000340464.6), dbSNP rs886057178, ClinGen allele CA10653732.